The following is an entry in ClinVar:

ClinVar aggregate classification (germline): Uncertain significance (1 of 4 stars; one submission).

gnomAD v4.1: 4 of 1,614,006 alleles (0.00025%); highest among the groups gnomAD compares: Middle Eastern, 0.016%; no homozygotes.

Submission:

Labcorp Genetics (formerly Invitae), Labcorp
Classification: Uncertain significance. Last evaluated: 2024-05-19. Review status: criteria provided, single submitter. Criteria: Invitae Variant Classification Sherloc (09022015). Collection method: clinical testing. Allele origin: germline.
Comment: This sequence change replaces asparagine, which is neutral and polar, with lysine, which is basic and polar, at codon 258 of the MS4A1 protein (p.Asn258Lys). This variant is not present in population databases (gnomAD no frequency). This variant has not been reported in the literature in individuals affected with MS4A1-related conditions. An algorithm developed to predict the effect of missense changes on protein structure and function (PolyPhen-2) suggests that this variant is likely to be tolerated. In summary, the available evidence is currently insufficient to determine the role of this variant in disease. Therefore, it has been classified as a Variant of Uncertain Significance.

NM_152866.3(MS4A1):c.774T>G (p.Asn258Lys)

Gene: MS4A1 (membrane spanning 4-domains A1; plus strand). Cytogenetic location: 11q12.2.
Variant type: single nucleotide variant.
Coding change: c.774T>G on transcript NM_152866.3 (MANE Select); coding-DNA position 774, T replaced by G.
Protein change: p.Asn258Lys; replaces asparagine 258 with lysine.
Molecular consequence: missense variant.
Genome position (GRCh38, 1-based): chr11:60,468,348, T>G. VCF-style: chr11-60468348-T-G. GRCh37 (hg19) VCF-style: chr11-60235821-T-G.
Other names: c.774T>G, p.Asn258Lys (NM_021950.4, NM_152867.2); short protein forms N258K.
Identifiers: ClinVar variation 3616007 (VCV003616007.2).